The following is an entry in ClinVar:

NM_001267550.2(TTN):c.9795A>C (p.Arg3265Ser)

Gene: TTN (titin; minus strand). Cytogenetic location: 2q31.2.
Variant type: single nucleotide variant.
Coding change: c.9795A>C on transcript NM_001267550.2 (MANE Select); coding-DNA position 9795, A replaced by C.
Protein change: p.Arg3265Ser; replaces arginine 3265 with serine.
Molecular consequence: missense variant.
Genome position (GRCh38, 1-based): chr2:178,764,720, T>G on the plus strand (A>C on the coding strand, the complement: TTN is on the minus strand). VCF-style: chr2-178764720-T-G. GRCh37 (hg19) VCF-style: chr2-179629447-T-G.
Other names: c.9795A>C, p.Arg3265Ser (NM_001256850.1, NM_133378.4, NM_133379.5); c.9657A>C, p.Arg3219Ser (NM_003319.4, NM_133432.3, NM_133437.4); short protein forms R3265S, R3219S.
Identifiers: ClinVar variation 535704 (VCV000535704.17), dbSNP rs141708467, ClinGen allele CA2004236.

ClinVar aggregate classification (germline): Uncertain significance. Review status: criteria provided, multiple submitters, no conflicts (2 of 4 stars). 8 submissions from 8 submitters: Uncertain significance (8). Last evaluated 2025-10-10.

Conditions:
Cardiovascular phenotype. Identifiers: MedGen CN230736.
Dilated cardiomyopathy 1G (CMD1G). Identifiers: Orphanet 154, MedGen C1858763, MONDO:0011400, OMIM 604145.
Autosomal recessive limb-girdle muscular dystrophy type 2J (LGMDR10). Also called: MUSCULAR DYSTROPHY, LIMB-GIRDLE, AUTOSOMAL RECESSIVE 10; Limb-girdle muscular dystrophy, type 2J. Identifiers: Orphanet 140922, MedGen C1837342, MONDO:0012127, OMIM 608807.
Myopathy, myofibrillar, 9, with early respiratory failure (MFM9). Also called: Myopathy, distal, with early respiratory failure, autosomal dominant; EDSTROM MYOPATHY; Hereditary myopathy with early respiratory failure; MYOPATHY, PROXIMAL, WITH EARLY RESPIRATORY MUSCLE INVOLVEMENT. Identifiers: Orphanet 178464, Orphanet 34521, MedGen C1863599, MONDO:0011362, OMIM 603689.
Early-onset myopathy with fatal cardiomyopathy (CMYO5). Also called: CONGENITAL MYOPATHY 5 WITH CARDIOMYOPATHY; Salih Myopathy. Identifiers: Orphanet 289377, MedGen C2673677, MONDO:0012714, OMIM 611705. Disease mechanism: loss of function.
Hypertrophic cardiomyopathy 9. Also called: Familial hypertrophic cardiomyopathy 9. Identifiers: MedGen C1861065, MONDO:0013412, OMIM 613765.
Tibial muscular dystrophy (TMD). Also called: Udd Distal Myopathy – Tibial Muscular Dystrophy; Tibial muscular dystrophy, tardive; UDD MYOPATHY. Identifiers: Orphanet 609, MedGen C1838244, MONDO:0010870, OMIM 600334.
Cardiomyopathy (CMYO). Also called: Cardiomyopathies. Identifiers: Orphanet 167848, MedGen C0878544, MONDO:0004994, HP:0001638. Inheritance: Various modes of inheritance.
TTN-related disorder. Also called: TTN-related condition; TTN-related disease; TTN-related disorders.

Allele frequency attached by ClinVar (database versions not stated): gnomAD exomes 0.00001 and 0.00002; ExAC 0.00002; TOPMed 0.00010; gnomAD 0.00012 and 0.00014; ESP Exome Variant Server 0.00023.
gnomAD v4.1: 41 of 1,613,946 alleles (0.0025%); highest among the groups gnomAD compares: African/African-American, 0.047%; no homozygotes.

Submissions (8):

PreventionGenetics, part of Exact Sciences
Classification: Uncertain significance for TTN-related condition. Last evaluated: 2025-10-10. Review status: criteria provided, single submitter. Criteria: ACMG Guidelines, 2015. Collection method: clinical testing. Allele origin: germline.
Comment: The TTN c.9795A>C variant is predicted to result in the amino acid substitution p.Arg3265Ser. To our knowledge, this variant has not been reported in the literature. This variant is reported in 0.024% of alleles in individuals of African descent in gnomAD. At this time, the clinical significance of this variant is uncertain due to the absence of conclusive functional and genetic evidence.

Women's Health and Genetics/Laboratory Corporation of America, LabCorp
Classification: Uncertain significance. Last evaluated: 2022-06-26. Review status: criteria provided, single submitter. Criteria: LabCorp Variant Classification Summary - May 2015. Collection method: clinical testing. Allele origin: germline.

Fulgent Genetics
Classification: Uncertain significance for Tibial muscular dystrophy; Myopathy, myofibrillar, 9, with early respiratory failure; Dilated cardiomyopathy 1G; Autosomal recessive limb-girdle muscular dystrophy type 2J; Early-onset myopathy with fatal cardiomyopathy; Hypertrophic cardiomyopathy 9. Last evaluated: 2021-10-04. Review status: criteria provided, single submitter. Criteria: ACMG Guidelines, 2015. Collection method: clinical testing. Allele origin: unknown.

CHEO Genetics Diagnostic Laboratory, Children's Hospital of Eastern Ontario
Classification: Uncertain significance for Cardiomyopathy. Last evaluated: 2021-05-28. Review status: criteria provided, single submitter. Criteria: ACMG Guidelines, 2015. Collection method: clinical testing. Allele origin: germline.

Revvity Omics, Revvity
Classification: Uncertain significance. Last evaluated: 2020-09-21. Review status: criteria provided, single submitter. Criteria: ACMG Guidelines, 2015. Collection method: clinical testing. Allele origin: germline.

Ambry Genetics
Classification: Uncertain significance for Cardiovascular phenotype. Last evaluated: 2020-01-07. Review status: criteria provided, single submitter. Criteria: Ambry Variant Classification Scheme 2023. Collection method: clinical testing. Allele origin: germline.
Comment: The p.R3219S variant (also known as c.9657A>C), located in coding exon 40 of the TTN gene, results from an A to C substitution at nucleotide position 9657. The arginine at codon 3219 is replaced by serine, an amino acid with dissimilar properties. This amino acid position is not well conserved in available vertebrate species. In addition, the in silico prediction for this alteration is inconclusive. Since supporting evidence is limited at this time, the clinical significance of this alteration remains unclear.

Mayo Clinic Laboratories, Mayo Clinic
Classification: Uncertain significance. Last evaluated: 2019-09-16. Review status: criteria provided, single submitter. Criteria: ACMG Guidelines, 2015. Collection method: clinical testing. Allele origin: germline. Observed: 1 variant allele.

Labcorp Genetics (formerly Invitae), Labcorp
Classification: Uncertain significance for Dilated cardiomyopathy 1G; Autosomal recessive limb-girdle muscular dystrophy type 2J. Last evaluated: 2017-12-21. Review status: criteria provided, single submitter. Criteria: Invitae Variant Classification Sherloc (09022015). Collection method: clinical testing. Allele origin: germline.